The following is an entry in ClinVar:

ClinVar aggregate classification (germline): Conflicting classifications of pathogenicity. Review status: criteria provided, conflicting classifications (1 of 4 stars). 3 submissions from 3 submitters: Uncertain significance (1); Likely benign (2). Last evaluated 2025-12-01.

Allele frequency attached by ClinVar (database versions not stated): TOPMed 0.00006; gnomAD 0.00007; ESP Exome Variant Server 0.00008; ExAC 0.00011; gnomAD exomes 0.00011.
gnomAD v4.1: 112 of 1,612,536 alleles (0.0069%); highest among the groups gnomAD compares: Middle Eastern, 0.016%; no homozygotes.

Submissions (3):

Labcorp Genetics (formerly Invitae), Labcorp
Classification: Uncertain significance. Last evaluated: 2025-12-01. Review status: criteria provided, single submitter. Criteria: Invitae Variant Classification Sherloc (09022015). Collection method: clinical testing. Allele origin: germline.
Comment: This sequence change replaces glycine, which is neutral and non-polar, with serine, which is neutral and polar, at codon 656 of the SAMD11 protein (p.Gly656Ser). This variant is present in population databases (rs377365499, gnomAD 0.02%). This variant has not been reported in the literature in individuals affected with SAMD11-related conditions. ClinVar contains an entry for this variant (Variation ID: 942854). An algorithm developed to predict the effect of missense changes on protein structure and function outputs the following: PolyPhen-2: "Benign". The serine amino acid residue is found in multiple mammalian species, which suggests that this missense change does not adversely affect protein function. In summary, the available evidence is currently insufficient to determine the role of this variant in disease. Therefore, it has been classified as a Variant of Uncertain Significance.

Blueprint Genetics
Classification: Likely benign. Last evaluated: 2024-07-09. Review status: criteria provided, single submitter. Criteria: ACMG Guidelines, 2015. Collection method: clinical testing. Allele origin: germline.

Ambry Genetics
Classification: Likely benign. Last evaluated: 2022-11-17. Review status: criteria provided, single submitter. Criteria: Ambry Variant Classification Scheme 2023. Collection method: clinical testing. Allele origin: germline.

NM_001385641.1(SAMD11):c.2455G>A (p.Gly819Ser)

Gene: SAMD11 (sterile alpha motif domain containing 11; plus strand). Cytogenetic location: 1p36.33.
Variant type: single nucleotide variant.
Coding change: c.2455G>A on transcript NM_001385641.1 (MANE Select); coding-DNA position 2455, G replaced by A.
Protein change: p.Gly819Ser; replaces glycine 819 with serine.
Molecular consequence: missense variant.
Genome position (GRCh38, 1-based): chr1:944,073, G>A. VCF-style: chr1-944073-G-A. GRCh37 (hg19) VCF-style: chr1-879453-G-A.
Other names: c.2458G>A, p.Gly820Ser (NM_001385640.1); c.1966G>A, p.Gly656Ser (NM_152486.4); short protein forms G656S, G819S, G820S.
Identifiers: ClinVar variation 942854 (VCV000942854.9), dbSNP rs377365499, ClinGen allele CA503424.
Genomic context (GRCh38, chr1:944,073, plus strand): 5'-GAGCAGCCCTTGTCCCCCACGACGGCCACGTCCCCCTATGGAGGGGGCCACGCCCTTGCC[G>A]GTCAAACTTCACCCAAGCAGGAGAATGGGACCTTGGCTCTACTTCCAGGGGCCCCCGACC-3'
Protein context (NP_001372570.1, residues 809-829): SPYGGGHALA[Gly819Ser]QTSPKQENGT